The following is an entry in ClinVar:

NM_033004.4(NLRP1):c.1351G>A (p.Glu451Lys)

Gene: NLRP1 (NLR family pyrin domain containing 1; minus strand). Cytogenetic location: 17p13.2.
Variant type: single nucleotide variant.
Coding change: c.1351G>A on transcript NM_033004.4 (MANE Select); coding-DNA position 1351, G replaced by A.
Protein change: p.Glu451Lys; replaces glutamic acid 451 with lysine.
Molecular consequence: missense variant.
Genome position (GRCh38, 1-based): chr17:5,559,345, C>T on the plus strand (G>A on the coding strand, the complement: NLRP1 is on the minus strand). VCF-style: chr17-5559345-C-T. GRCh37 (hg19) VCF-style: chr17-5462665-C-T.
Other names: c.1351G>A, p.Glu451Lys (NM_001033053.3, NM_014922.5, NM_033006.4 and 1 more transcripts); short protein forms E451K.
Identifiers: ClinVar variation 1466168 (VCV001466168.6), dbSNP rs199708697, ClinGen allele CA8327382.

ClinVar aggregate classification (germline): Uncertain significance (1 of 4 stars; one submission).

Allele frequency attached by ClinVar (database versions not stated): gnomAD 0.00001; TOPMed 0.00002; gnomAD exomes 0.00004 and 0.00006; ExAC 0.00008.
gnomAD v4.1: 68 of 1,613,834 alleles (0.0042%); highest among the groups gnomAD compares: South Asian, 0.048%; no homozygotes.

Submission:

Labcorp Genetics (formerly Invitae), Labcorp
Classification: Uncertain significance. Last evaluated: 2021-08-08. Review status: criteria provided, single submitter. Criteria: Invitae Variant Classification Sherloc (09022015). Collection method: clinical testing. Allele origin: germline.
Comment: In summary, the available evidence is currently insufficient to determine the role of this variant in disease. Therefore, it has been classified as a Variant of Uncertain Significance. Algorithms developed to predict the effect of missense changes on protein structure and function output the following: SIFT: "Tolerated"; PolyPhen-2: "Benign"; Align-GVGD: "Class C0". The lysine amino acid residue is found in multiple mammalian species, which suggests that this missense change does not adversely affect protein function. This variant has not been reported in the literature in individuals affected with NLRP1-related conditions. This variant is present in population databases (rs199708697, ExAC 0.05%). This sequence change replaces glutamic acid with lysine at codon 451 of the NLRP1 protein (p.Glu451Lys). The glutamic acid residue is moderately conserved and there is a small physicochemical difference between glutamic acid and lysine.